The following is an entry in ClinVar:

NM_001197104.2(KMT2A):c.8885G>A (p.Arg2962Lys)

Gene: KMT2A (lysine methyltransferase 2A; plus strand). Cytogenetic location: 11q23.3.
Variant type: single nucleotide variant.
Coding change: c.8885G>A on transcript NM_001197104.2 (MANE Select); coding-DNA position 8885, G replaced by A.
Protein change: p.Arg2962Lys; replaces arginine 2962 with lysine.
Molecular consequence: missense variant.
Genome position (GRCh38, 1-based): chr11:118,504,777, G>A. VCF-style: chr11-118504777-G-A. GRCh37 (hg19) VCF-style: chr11-118375492-G-A.
Other names: c.8975G>A, p.Arg2992Lys (NM_001412597.1); c.8876G>A, p.Arg2959Lys (NM_005933.4); short protein forms R2959K, R2962K, R2992K.
Identifiers: ClinVar variation 4535131 (VCV004535131.6).

ClinVar aggregate classification (germline): Uncertain significance (1 of 4 stars; one submission).

Submission:

CeGaT Center for Human Genetics Tuebingen
Classification: Uncertain significance. Last evaluated: 2025-11-01. Review status: criteria provided, single submitter. Criteria: CeGaT Center For Human Genetics Tuebingen Variant Classification Criteria Version 2. Collection method: clinical testing. Allele origin: germline. Affected: yes. Observed: 1 variant allele.
Comment: KMT2A: PM2